The following is an entry in ClinVar:

ClinVar aggregate classification (germline): Uncertain significance. Review status: criteria provided, multiple submitters, no conflicts (2 of 4 stars). 4 submissions from 4 submitters: Uncertain significance (3). 1 of the submissions does not count toward it. Last evaluated 2026-06-27.

Conditions:
Wilson disease (WND). Also called: Wilson's disease. Identifiers: Orphanet 905, MedGen C0019202, MONDO:0010200, OMIM 277900. Disease mechanism: loss of function.

Allele frequency attached by ClinVar (database versions not stated): TOPMed below 0.00001; gnomAD 0.00001; ExAC 0.00002; gnomAD exomes 0.00002.
gnomAD v4.1: 22 of 1,613,774 alleles (0.0014%); highest among the groups gnomAD compares: Middle Eastern, 0.016%; no homozygotes.

Submissions (4):

Myriad Genetics, Inc.
Classification: Uncertain significance for Wilson disease. Last evaluated: 2026-06-27. Review status: criteria provided, single submitter. Criteria: Myriad Autosomal Dominant, Autosomal Recessive and X-Linked Classification Criteria (2023). Collection method: clinical testing. Allele origin: unknown.
Comment: NM_000053.3(ATP7B):c.623C>T(A208V) is a missense variant classified as a variant of uncertain significance in the context of Wilson disease. A208V has been observed in a case with relevant disease (PMID: 39933775). Relevant functional assessments of this variant are not available in the literature. A208V has been observed in referenced population frequency databases. In summary, there is insufficient evidence to classify NM_000053.3(ATP7B):c.623C>T(A208V) as pathogenic or benign. Please note: this variant was assessed in the context of healthy population screening.

Color Diagnostics, LLC DBA Color Health
Classification: Uncertain significance for Wilson disease. Last evaluated: 2025-06-03. Review status: criteria provided, single submitter. Criteria: ACMG Guidelines, 2015. Collection method: clinical testing. Allele origin: germline.
Comment: This missense variant replaces alanine with valine at codon 208 of the ATP7B protein. Computational prediction is inconclusive regarding the impact of this variant on protein structure and function. To our knowledge, functional studies have not been reported for this variant. This variant has been observed in the compound heterozygous state with a pathogenic variant in trans in an individual affected with autosomal recessive Wilson disease (PMID: 39933775), indicating that this variant contributes to disease. This variant has been identified in 5/280784 chromosomes in the general population by the Genome Aggregation Database (gnomAD). The available evidence is insufficient to determine the role of this variant in disease conclusively. Therefore, this variant is classified as a Variant of Uncertain Significance.

Labcorp Genetics (formerly Invitae), Labcorp
Classification: Uncertain significance for Wilson disease. Last evaluated: 2021-08-26. Review status: criteria provided, single submitter. Criteria: Invitae Variant Classification Sherloc (09022015). Collection method: clinical testing. Allele origin: germline.
Comment: This sequence change replaces alanine with valine at codon 208 of the ATP7B protein (p.Ala208Val). The alanine residue is moderately conserved and there is a small physicochemical difference between alanine and valine. This variant is present in population databases (rs754738204, ExAC 0.003%). This variant has not been reported in the literature in individuals affected with ATP7B-related conditions. Algorithms developed to predict the effect of missense changes on protein structure and function are either unavailable or do not agree on the potential impact of this missense change (SIFT: "Tolerated"; PolyPhen-2: "Possibly Damaging"; Align-GVGD: "Class C0"). In summary, the available evidence is currently insufficient to determine the role of this variant in disease. Therefore, it has been classified as a Variant of Uncertain Significance.

Natera, Inc.
Classification: Uncertain significance for Wilson disease. Last evaluated: 2020-03-17. Review status: no assertion criteria provided. Collection method: clinical testing. Allele origin: germline. Not counted in ClinVar's aggregate classification.

Literature cited by the submitters: PubMed 39933775 (cited by Myriad Genetics, Inc. and Color Diagnostics, LLC DBA Color Health).

NM_000053.4(ATP7B):c.623C>T (p.Ala208Val)

Gene: ATP7B (ATPase copper transporting beta; minus strand). Cytogenetic location: 13q14.3.
Variant type: single nucleotide variant.
Coding change: c.623C>T on transcript NM_000053.4 (MANE Select); coding-DNA position 623, C replaced by T.
Protein change: p.Ala208Val; replaces alanine 208 with valine.
Molecular consequence: missense variant.
Genome position (GRCh38, 1-based): chr13:51,974,597, G>A on the plus strand (C>T on the coding strand, the complement: ATP7B is on the minus strand). VCF-style: chr13-51974597-G-A. GRCh37 (hg19) VCF-style: chr13-52548733-G-A.
Other names: c.623C>T, p.Ala208Val (NM_001005918.3, NM_001243182.2, NM_001330578.2 and 1 more transcripts); short protein forms A208V.
Identifiers: ClinVar variation 969526 (VCV000969526.12), dbSNP rs754738204, ClinGen allele CA6989525.